The following is an entry in ClinVar:

ClinVar aggregate classification (germline): Conflicting classifications of pathogenicity. Review status: criteria provided, conflicting classifications (1 of 4 stars). 2 submissions from 2 submitters: Pathogenic (1); Uncertain significance (1). Last evaluated 2025-04-27.

Conditions:
Cardiovascular phenotype. Identifiers: MedGen CN230736.
Dilated cardiomyopathy 1O (CMD1O). Also called: CARDIOMYOPATHY, DILATED, WITH VENTRICULAR TACHYCARDIA. Identifiers: Orphanet 154, MedGen C1837839, MONDO:0012062, OMIM 608569.

gnomAD v4.1: 8 of 1,613,484 alleles (0.0005%); highest among the groups gnomAD compares: South Asian, 0.0011%; no homozygotes.

Submissions (2):

Labcorp Genetics (formerly Invitae), Labcorp
Classification: Pathogenic for Dilated cardiomyopathy 1O. Last evaluated: 2025-04-27. Review status: criteria provided, single submitter. Criteria: Invitae Variant Classification Sherloc (09022015). Collection method: clinical testing. Allele origin: germline.
Comment: This sequence change creates a premature translational stop signal (p.Trp49*) in the ABCC9 gene. It is expected to result in an absent or disrupted protein product. Loss-of-function variants in ABCC9 are known to be pathogenic (PMID: 31575858, 38217872). This variant is not present in population databases (gnomAD no frequency). This variant has not been reported in the literature in individuals affected with ABCC9-related conditions. ClinVar contains an entry for this variant (Variation ID: 2447994). For these reasons, this variant has been classified as Pathogenic.

Ambry Genetics
Classification: Uncertain significance for Cardiovascular phenotype. Last evaluated: 2023-03-17. Review status: criteria provided, single submitter. Criteria: Ambry Variant Classification Scheme 2023. Collection method: clinical testing. Allele origin: germline.
Comment: The p.W49* variant (also known as c.146G>A), located in coding exon 2 of the ABCC9 gene, results from a G to A substitution at nucleotide position 146. This changes the amino acid from a tryptophan to a stop codon within coding exon 2. This alteration is expected to result in protein truncation or nonsense-mediated mRNA decay. However, loss of function of ABCC9 has not been established as a mechanism of disease. Since supporting evidence is limited at this time, the clinical significance of this alteration remains unclear.

Literature cited by the submitters: PubMed 31575858 (cited by Labcorp Genetics (formerly Invitae), Labcorp); PubMed 38217872 (cited by Labcorp Genetics (formerly Invitae), Labcorp).

NM_020297.4(ABCC9):c.146G>A (p.Trp49Ter)

Gene: ABCC9 (ATP binding cassette subfamily C member 9; minus strand). Cytogenetic location: 12p12.1.
Variant type: single nucleotide variant.
Coding change: c.146G>A on transcript NM_020297.4 (MANE Select); coding-DNA position 146, G replaced by A.
Protein change: p.Trp49Ter; replaces tryptophan 49 with a stop codon.
Molecular consequence: nonsense. On other transcripts: 5 prime UTR variant (1).
Genome position (GRCh38, 1-based): chr12:21,933,920, C>T on the plus strand (G>A on the coding strand, the complement: ABCC9 is on the minus strand). VCF-style: chr12-21933920-C-T. GRCh37 (hg19) VCF-style: chr12-22086854-C-T.
Other names: c.146G>A, p.Trp49Ter (NM_001377273.1, NM_005691.4); c.-309G>A (NM_001377274.1); short protein forms W49*.
Identifiers: ClinVar variation 2447994 (VCV002447994.5), dbSNP rs886049175, ClinGen allele CA384131990.